The following is an entry in ClinVar:

NM_053025.4(MYLK):c.3406A>G (p.Lys1136Glu)

Gene: MYLK (myosin light chain kinase; minus strand). Cytogenetic location: 3q21.1.
Variant type: single nucleotide variant.
Coding change: c.3406A>G on transcript NM_053025.4 (MANE Select); coding-DNA position 3406, A replaced by G.
Protein change: p.Lys1136Glu; replaces lysine 1136 with glutamic acid.
Molecular consequence: missense variant.
Genome position (GRCh38, 1-based): chr3:123,700,062, T>C on the plus strand (A>G on the coding strand, the complement: MYLK is on the minus strand). VCF-style: chr3-123700062-T-C. GRCh37 (hg19) VCF-style: chr3-123418909-T-C.
Other names: c.2878A>G, p.Lys960Glu (NM_001321309.2); c.3199A>G, p.Lys1067Glu (NM_053026.4, NM_053028.4); c.3406A>G, p.Lys1136Glu (NM_053027.4); short protein forms K1067E, K1136E, K960E.
Identifiers: ClinVar variation 3365081 (VCV003365081.1).

ClinVar aggregate classification (germline): Uncertain significance (1 of 4 stars; one submission).

Submission:

GeneDx
Classification: Uncertain significance. Last evaluated: 2023-11-30. Review status: criteria provided, single submitter. Criteria: GeneDx Variant Classification Process June 2021. Collection method: clinical testing. Allele origin: germline. Affected: yes.
Comment: Has not been previously published as pathogenic or benign to our knowledge; Not observed at significant frequency in large population cohorts (gnomAD); In silico analysis supports that this missense variant does not alter protein structure/function